The following is an entry in ClinVar:

ClinVar aggregate classification (germline): Uncertain significance (1 of 4 stars; one submission).

Submission:

GeneDx
Classification: Uncertain significance. Last evaluated: 2019-11-18. Review status: criteria provided, single submitter. Criteria: GeneDx Variant Classification Process June 2021. Collection method: clinical testing. Allele origin: germline. Affected: yes.
Comment: Not observed in large population cohorts (Lek et al., 2016); In silico analysis, which includes protein predictors and evolutionary conservation, supports that this variant does not alter protein structure/function; Has not been previously published as pathogenic or benign to our knowledge

NM_031206.7(LAS1L):c.907C>T (p.Arg303Cys)

Gene: LAS1L (LAS1 like ribosome biogenesis factor; minus strand). Cytogenetic location: Xq12.
Variant type: single nucleotide variant.
Coding change: c.907C>T on transcript NM_031206.7 (MANE Select); coding-DNA position 907, C replaced by T.
Protein change: p.Arg303Cys; replaces arginine 303 with cysteine.
Molecular consequence: missense variant. On other transcripts: non-coding transcript variant (1), intron variant (1).
Genome position (GRCh38, 1-based): chrX:65,528,309, G>A on the plus strand (C>T on the coding strand, the complement: LAS1L is on the minus strand). VCF-style: chrX-65528309-G-A. GRCh37 (hg19) VCF-style: chrX-64748189-G-A.
Other names: c.907C>T, p.Arg303Cys (NM_001170649.2, NM_001375328.1, NM_001375329.1 and 7 more transcripts); c.781C>T, p.Arg261Cys (NM_001170650.2); c.50+903C>T (NM_001375332.1); short protein forms R261C, R303C.
Identifiers: ClinVar variation 1310189 (VCV001310189.2), dbSNP rs2148306751, ClinGen allele CA413319120.